The following is an entry in ClinVar:

ClinVar aggregate classification (germline): Conflicting classifications of pathogenicity. Review status: criteria provided, conflicting classifications (1 of 4 stars). 3 submissions from 3 submitters: Uncertain significance (1); Likely benign (1). 1 of the submissions does not count toward it. Last evaluated 2025-06-30.

Conditions:
SLC10A2-related disorder. Also called: SLC10A2-related condition.

Allele frequency attached by ClinVar (database versions not stated): gnomAD 0.00001 and 0.00002; gnomAD exomes 0.00001 and 0.00003; ExAC 0.00002; TOPMed 0.00006.
gnomAD v4.1: 17 of 1,613,902 alleles (0.0011%); highest among the groups gnomAD compares: Admixed American, 0.017%; no homozygotes.

Submissions (3):

Labcorp Genetics (formerly Invitae), Labcorp
Classification: Likely benign. Last evaluated: 2025-06-30. Review status: criteria provided, single submitter. Criteria: Invitae Variant Classification Sherloc (09022015). Collection method: clinical testing. Allele origin: germline.

Eurofins Ntd Llc (ga)
Classification: Uncertain significance. Last evaluated: 2017-03-07. Review status: criteria provided, single submitter. Criteria: EGL Classification Definitions 2015. Collection method: clinical testing. Allele origin: germline. Observed: 1 variant allele, 1 heterozygote.

PreventionGenetics, part of Exact Sciences
Classification: Likely benign for SLC10A2-related condition. Last evaluated: 2021-12-09. Review status: no assertion criteria provided. Collection method: clinical testing. Allele origin: germline. Not counted in ClinVar's aggregate classification.
Comment: This variant is classified as likely benign based on ACMG/AMP sequence variant interpretation guidelines (Richards et al. 2015 PMID: 25741868, with internal and published modifications).

NM_000452.3(SLC10A2):c.246A>G (p.Thr82=)

Gene: SLC10A2 (solute carrier family 10 member 2; minus strand). Cytogenetic location: 13q33.1.
Variant type: single nucleotide variant.
Coding change: c.246A>G on transcript NM_000452.3 (MANE Select); coding-DNA position 246, A replaced by G.
Protein change: p.Thr82=; no amino-acid change (threonine 82 retained).
Molecular consequence: synonymous variant.
Genome position (GRCh38, 1-based): chr13:103,066,004, T>C on the plus strand (A>G on the coding strand, the complement: SLC10A2 is on the minus strand). VCF-style: chr13-103066004-T-C. GRCh37 (hg19) VCF-style: chr13-103718354-T-C.
Other names: c.246A>G (NM_000452.2).
Identifiers: ClinVar variation 500771 (VCV000500771.10), dbSNP rs761652195, ClinGen allele CA7042302.